The following is an entry in ClinVar:

NM_021975.4(RELA):c.1131G>A (p.Ser377=)

Gene: RELA (RELA proto-oncogene, NF-kB subunit; minus strand). Cytogenetic location: 11q13.1.
Variant type: single nucleotide variant.
Coding change: c.1131G>A on transcript NM_021975.4 (MANE Select); coding-DNA position 1131, G replaced by A.
Protein change: p.Ser377=; no amino-acid change (serine 377 retained).
Molecular consequence: synonymous variant. On other transcripts: intron variant (1).
Genome position (GRCh38, 1-based): chr11:65,654,903, C>T on the plus strand (G>A on the coding strand, the complement: RELA is on the minus strand). VCF-style: chr11-65654903-C-T. GRCh37 (hg19) VCF-style: chr11-65422374-C-T.
Other names: c.1131G>A (NM_021975.3); c.1122G>A, p.Ser374= (NM_001145138.2); c.1131G>A, p.Ser377= (NM_001243985.2); c.1034-110G>A (NM_001243984.2).
Identifiers: ClinVar variation 1170130 (VCV001170130.13), dbSNP rs7116571, ClinGen allele CA6106641.

ClinVar aggregate classification (germline): Benign. Review status: criteria provided, multiple submitters, no conflicts (2 of 4 stars). 4 submissions from 4 submitters: Benign (3). 1 of the submissions does not count toward it. Last evaluated 2026-02-03.

Conditions:
RELA-related disorder. Also called: RELA-related condition.

Allele frequency attached by ClinVar (database versions not stated): ExAC 0.01786; ESP Exome Variant Server 0.02714; gnomAD 0.02821 and 0.03031; 1000 Genomes Project 0.03055; TOPMed 0.03126; 1000 Genomes Project 30x 0.03217.

Submissions (4):

Labcorp Genetics (formerly Invitae), Labcorp
Classification: Benign. Last evaluated: 2026-02-03. Review status: criteria provided, single submitter. Criteria: Invitae Variant Classification Sherloc (09022015). Collection method: clinical testing. Allele origin: germline.

Women's Health and Genetics/Laboratory Corporation of America, LabCorp
Classification: Benign. Last evaluated: 2026-01-21. Review status: criteria provided, single submitter. Criteria: LabCorp Variant Classification Summary - May 2015. Collection method: clinical testing. Allele origin: germline.

Breakthrough Genomics
Classification: Benign. Review status: criteria provided, single submitter. Criteria: ACMG Guidelines, 2015. Collection method: not provided. Allele origin: germline. Inheritance: Autosomal dominant inheritance. Affected: yes.

PreventionGenetics, part of Exact Sciences
Classification: Benign for RELA-related condition. Last evaluated: 2020-01-20. Review status: no assertion criteria provided. Collection method: clinical testing. Allele origin: germline. Not counted in ClinVar's aggregate classification.
Comment: This variant is classified as benign based on ACMG/AMP sequence variant interpretation guidelines (Richards et al. 2015 PMID: 25741868, with internal and published modifications).